The following is an entry in ClinVar:

Conditions:
Arteriohepatic dysplasia. Also called: Alagille Syndrome. Identifiers: Orphanet 52, MedGen C0085280, MeSH D016738, MONDO:0007318.

Submission:

Gilbert/Spinner Lab, Children's Hospital of Philadelphia
No classification provided (evidence only). Condition: Alagille syndrome. Review status: no classification provided. Collection method: research. Allele origin: not applicable. Functional consequence: functionally_abnormal.
ClinVar note: "not provided" was previously submitted as the classification for the variant. However, the classification appeared to be based only on an observation of functional data so it was converted to no classification on 2025-07-30.

NM_000214.3(JAG1):c.398C>A (p.Thr133Lys)

Gene: JAG1 (jagged canonical Notch ligand 1; minus strand). Cytogenetic location: 20p12.2.
Variant type: single nucleotide variant.
Coding change: c.398C>A on transcript NM_000214.3 (MANE Select); coding-DNA position 398, C replaced by A.
Protein change: p.Thr133Lys; replaces threonine 133 with lysine.
Molecular consequence: missense variant.
Genome position (GRCh38, 1-based): chr20:10,664,004, G>T on the plus strand (C>A on the coding strand, the complement: JAG1 is on the minus strand). VCF-style: chr20-10664004-G-T. GRCh37 (hg19) VCF-style: chr20-10644652-G-T.
Other names: short protein forms T133K.
Identifiers: ClinVar variation 3573455 (VCV003573455.2).